The following is an entry in ClinVar:

NM_006230.4(POLD2):c.730G>A (p.Ala244Thr)

Gene: POLD2 (DNA polymerase delta 2, accessory subunit; minus strand). Cytogenetic location: 7p13.
Variant type: single nucleotide variant.
Coding change: c.730G>A on transcript NM_006230.4 (MANE Select); coding-DNA position 730, G replaced by A.
Protein change: p.Ala244Thr; replaces alanine 244 with threonine.
Molecular consequence: missense variant.
Genome position (GRCh38, 1-based): chr7:44,116,867, C>T on the plus strand (G>A on the coding strand, the complement: POLD2 is on the minus strand). VCF-style: chr7-44116867-C-T. GRCh37 (hg19) VCF-style: chr7-44156466-C-T.
Other names: c.730G>A, p.Ala244Thr (NM_001127218.3, NM_001256879.2); short protein forms A244T.
Identifiers: ClinVar variation 2238771 (VCV002238771.4), dbSNP rs138149859, ClinGen allele CA4238751.

ClinVar aggregate classification (germline): Uncertain significance. Review status: criteria provided, multiple submitters, no conflicts (2 of 4 stars). 2 submissions from 2 submitters: Uncertain significance (2). Last evaluated 2024-02-22.

Allele frequency attached by ClinVar (database versions not stated): gnomAD exomes 0.00001; ExAC 0.00002; TOPMed 0.00002; gnomAD 0.00003; ESP Exome Variant Server 0.00008.

Submissions (2):

Labcorp Genetics (formerly Invitae), Labcorp
Classification: Uncertain significance. Last evaluated: 2024-02-22. Review status: criteria provided, single submitter. Criteria: Invitae Variant Classification Sherloc (09022015). Collection method: clinical testing. Allele origin: germline.
Comment: This sequence change replaces alanine, which is neutral and non-polar, with threonine, which is neutral and polar, at codon 279 of the POLD2 protein (p.Ala279Thr). This variant is present in population databases (rs138149859, gnomAD 0.02%). This variant has not been reported in the literature in individuals affected with POLD2-related conditions. ClinVar contains an entry for this variant (Variation ID: 2238771). Experimental studies and prediction algorithms are not available or were not evaluated, and the functional significance of this variant is currently unknown. In summary, the available evidence is currently insufficient to determine the role of this variant in disease. Therefore, it has been classified as a Variant of Uncertain Significance.

Ambry Genetics
Classification: Uncertain significance. Last evaluated: 2021-07-20. Review status: criteria provided, single submitter. Criteria: Ambry Variant Classification Scheme 2023. Collection method: clinical testing. Allele origin: germline.